The following is an entry in ClinVar:

ClinVar aggregate classification (germline): Uncertain significance (1 of 4 stars; one submission).

gnomAD v4.1: 3 of 1,548,052 alleles (0.00019%); highest among the groups gnomAD compares: Admixed American, 0.002%; no homozygotes.

Submission:

GeneDx
Classification: Uncertain significance. Last evaluated: 2024-07-05. Review status: criteria provided, single submitter. Criteria: GeneDx Variant Classification Process June 2021. Collection method: clinical testing. Allele origin: germline. Affected: yes.
Comment: In silico analysis indicates that this missense variant does not alter protein structure/function; Has not been previously published as pathogenic or benign to our knowledge

NM_002709.3(PPP1CB):c.34A>G (p.Ile12Val)

Gene: PPP1CB (protein phosphatase 1 catalytic subunit beta; plus strand). Cytogenetic location: 2p23.2.
Variant type: single nucleotide variant.
Coding change: c.34A>G on transcript NM_002709.3 (MANE Select); coding-DNA position 34, A replaced by G.
Protein change: p.Ile12Val; replaces isoleucine 12 with valine.
Molecular consequence: missense variant.
Genome position (GRCh38, 1-based): chr2:28,752,158, A>G. VCF-style: chr2-28752158-A-G. GRCh37 (hg19) VCF-style: chr2-28975024-A-G.
Other names: c.34A>G, p.Ile12Val (NM_206876.2); short protein forms I12V.
Identifiers: ClinVar variation 3572570 (VCV003572570.1).